The following is an entry in ClinVar:

NM_004977.3(KCNC3):c.766G>T (p.Gly256Trp)

Genes: KCNC3 (potassium voltage-gated channel subfamily C member 3; minus strand), LOC130064972 (ATAC-STARR-seq lymphoblastoid silent region 10954; plus strand). Cytogenetic location: 19q13.33.
Variant type: single nucleotide variant.
Coding change: c.766G>T on transcript NM_004977.3 (MANE Select); coding-DNA position 766, G replaced by T.
Protein change: p.Gly256Trp; replaces glycine 256 with tryptophan.
Molecular consequence: missense variant.
Genome position (GRCh38, 1-based): chr19:50,328,317, C>A on the plus strand (G>T on the coding strand, the complement: KCNC3 is on the minus strand). VCF-style: chr19-50328317-C-A. GRCh37 (hg19) VCF-style: chr19-50831574-C-A.
Other names: c.538G>T, p.Gly180Trp (NM_001372305.1); short protein forms G180W, G256W.
Identifiers: ClinVar variation 4875250 (VCV004875250.2).

ClinVar aggregate classification (germline): Uncertain significance (1 of 4 stars; one submission).

Submission:

CeGaT Center for Human Genetics Tuebingen
Classification: Uncertain significance. Last evaluated: 2026-06-01. Review status: criteria provided, single submitter. Criteria: CeGaT Center For Human Genetics Tuebingen Variant Classification Criteria Version 2. Collection method: clinical testing. Allele origin: germline. Affected: yes. Observed: 1 variant allele.
Comment: KCNC3: PM2, PP3